The following is an entry in ClinVar:

ClinVar aggregate classification (germline): Uncertain significance (1 of 4 stars; one submission).

Conditions:
Adams-Oliver syndrome 5 (AOS5). Identifiers: Orphanet 974, MedGen C4014970, MONDO:0014459, OMIM 616028.

Allele frequency attached by ClinVar (database versions not stated): TOPMed below 0.00001.

Submission:

Labcorp Genetics (formerly Invitae), Labcorp
Classification: Uncertain significance for Adams-Oliver syndrome 5. Last evaluated: 2023-05-30. Review status: criteria provided, single submitter. Criteria: Invitae Variant Classification Sherloc (09022015). Collection method: clinical testing. Allele origin: germline.
Comment: In summary, the available evidence is currently insufficient to determine the role of this variant in disease. Therefore, it has been classified as a Variant of Uncertain Significance. Advanced modeling of protein sequence and biophysical properties (such as structural, functional, and spatial information, amino acid conservation, physicochemical variation, residue mobility, and thermodynamic stability) performed at Invitae indicates that this missense variant is not expected to disrupt NOTCH1 protein function. This variant has not been reported in the literature in individuals affected with NOTCH1-related conditions. This variant is not present in population databases (gnomAD no frequency). This sequence change replaces glutamine, which is neutral and polar, with proline, which is neutral and non-polar, at codon 2315 of the NOTCH1 protein (p.Gln2315Pro).

NM_017617.5(NOTCH1):c.6944A>C (p.Gln2315Pro)

Gene: NOTCH1 (notch receptor 1; minus strand). Cytogenetic location: 9q34.3.
Variant type: single nucleotide variant.
Coding change: c.6944A>C on transcript NM_017617.5 (MANE Select); coding-DNA position 6944, A replaced by C.
Protein change: p.Gln2315Pro; replaces glutamine 2315 with proline.
Molecular consequence: missense variant.
Genome position (GRCh38, 1-based): chr9:136,496,795, T>G on the plus strand (A>C on the coding strand, the complement: NOTCH1 is on the minus strand). VCF-style: chr9-136496795-T-G. GRCh37 (hg19) VCF-style: chr9-139391247-T-G.
Other names: short protein forms Q2315P.
Identifiers: ClinVar variation 2860492 (VCV002860492.3), dbSNP rs1842922417, ClinGen allele CA375629652.